The following is an entry in ClinVar:

NM_016239.4(MYO15A):c.850G>A (p.Glu284Lys)

Gene: MYO15A (myosin XVA; plus strand). Cytogenetic location: 17p11.2.
Variant type: single nucleotide variant.
Coding change: c.850G>A on transcript NM_016239.4 (MANE Select); coding-DNA position 850, G replaced by A.
Protein change: p.Glu284Lys; replaces glutamic acid 284 with lysine.
Molecular consequence: missense variant.
Genome position (GRCh38, 1-based): chr17:18,119,650, G>A. VCF-style: chr17-18119650-G-A. GRCh37 (hg19) VCF-style: chr17-18022964-G-A.
Other names: short protein forms E284K.
Identifiers: ClinVar variation 1081828 (VCV001081828.13), dbSNP rs201006627, ClinGen allele CA8422950.

ClinVar aggregate classification (germline): Conflicting classifications of pathogenicity. Review status: criteria provided, conflicting classifications (1 of 4 stars). 4 submissions from 4 submitters: Uncertain significance (3); Likely benign (1). Last evaluated 2026-09-15.

Conditions:
MYO15A-related disorder. Also called: MYO15A-related condition.

Allele frequency attached by ClinVar (database versions not stated): gnomAD exomes 0.00003 and 0.00015; 1000 Genomes Project 30x 0.00016; ExAC 0.00016; gnomAD 0.00016; TOPMed 0.00019; 1000 Genomes Project 0.00020; ESP Exome Variant Server 0.00025.
gnomAD v4.1: 71 of 1,604,194 alleles (0.0044%); highest among the groups gnomAD compares: African/African-American, 0.049%; no homozygotes.

Submissions (4):

PreventionGenetics, part of Exact Sciences
Classification: Uncertain significance for MYO15A-related condition. Last evaluated: 2026-09-15. Review status: criteria provided, single submitter. Criteria: ACMG Guidelines, 2015. Collection method: clinical testing. Allele origin: germline.
Comment: The MYO15A c.850G>A variant is predicted to result in the amino acid substitution p.Glu284Lys. To our knowledge, this variant has not been reported in the literature. This variant is reported in 0.072% of alleles in individuals of African descent in gnomAD. Although we suspect that this variant may be benign, at this time, the clinical significance of this variant is uncertain due to the absence of conclusive functional and genetic evidence.

GeneDx
Classification: Uncertain significance. Last evaluated: 2025-10-06. Review status: criteria provided, single submitter. Criteria: GeneDx Variant Classification Process June 2021. Collection method: clinical testing. Allele origin: germline. Affected: yes.
Comment: In silico analysis supports that this missense variant does not alter protein structure/function; Has not been previously published as pathogenic or benign to our knowledge

Labcorp Genetics (formerly Invitae), Labcorp
Classification: Likely benign. Last evaluated: 2024-04-09. Review status: criteria provided, single submitter. Criteria: Invitae Variant Classification Sherloc (09022015). Collection method: clinical testing. Allele origin: germline.

Blueprint Genetics
Classification: Uncertain significance. Last evaluated: 2022-06-10. Review status: criteria provided, single submitter. Criteria: ACMG Guidelines, 2015. Collection method: clinical testing. Allele origin: germline.